The following is an entry in ClinVar:

NM_000260.4(MYO7A):c.2779del (p.Glu927fs)

Gene: MYO7A (myosin VIIA; plus strand). Cytogenetic location: 11q13.5.
Variant type: Deletion.
Coding change: c.2779del on transcript NM_000260.4 (MANE Select); coding-DNA position 2779, one base deleted (G; older notation c.2779delG).
Protein change: p.Glu927fs; shifts the reading frame from glutamic acid 927.
Molecular consequence: frameshift variant.
Genome position (GRCh38, 1-based): chr11:77,181,464, G deleted; the last of 2 consecutive G bases (chr11:77,181,463-77,181,464); deleting either gives the same sequence. VCF-style (leftmost placement, unchanged base first): chr11-77181462-TG-T. GRCh37 (hg19) VCF-style: chr11-76892508-TG-T.
Other names: c.2779del, p.Glu927fs (NM_001127180.2); c.2746del, p.Glu916fs (NM_001369365.1); short protein forms E916fs, E927fs.
Identifiers: ClinVar variation 1725166 (VCV001725166.2), dbSNP rs2497203875, ClinGen allele CA2580084944.

ClinVar aggregate classification (germline): Likely pathogenic (1 of 4 stars; one submission).

Conditions:
Usher syndrome type 1 (USH1). Also called: RETINITIS PIGMENTOSA AND CONGENITAL DEAFNESS. Identifiers: Orphanet 231169, Orphanet 886, MedGen C1568247, MONDO:0010168, OMIM 276900.

Submission:

Myriad Genetics, Inc.
Classification: Likely pathogenic for Usher syndrome type 1. Last evaluated: 2022-03-11. Review status: criteria provided, single submitter. Criteria: Myriad Women's Health Autosomal Recessive and X-Linked Classification Criteria (2021). Collection method: clinical testing. Allele origin: unknown.
Comment: NM_000260.3(MYO7A):c.2779delG(E927Sfs*135) is expected to be pathogenic in the context of MYO7A-related disorders. This variant is predicted to lead to an abnormal or absent protein product due to the creation of a premature termination codon in MYO7A, a gene where loss-of-function variants are known to be pathogenic. Please note: this variant was assessed in the context of healthy population screening.